The following is an entry in ClinVar:

ClinVar aggregate classification (germline): Uncertain significance. Review status: criteria provided, multiple submitters, no conflicts (2 of 4 stars). 2 submissions from 2 submitters: Uncertain significance (2). Last evaluated 2025-10-15.

Conditions:
Inborn genetic diseases. Identifiers: MedGen C0950123, MeSH D030342.
Intellectual developmental disorder with dysmorphic facies and ptosis (IDDDFP). Identifiers: Orphanet 698090, MedGen C4310617, MONDO:0015022, OMIM 617333.

Allele frequency attached by ClinVar (database versions not stated): TOPMed below 0.00001.
gnomAD v4.1: 16 of 1,607,334 alleles (0.001%); highest among the groups gnomAD compares: Middle Eastern, 0.017%; no homozygotes.

Submissions (2):

Ambry Genetics
Classification: Uncertain significance for Inborn genetic diseases. Last evaluated: 2025-10-15. Review status: criteria provided, single submitter. Criteria: Ambry Variant Classification Scheme 2023. Collection method: clinical testing. Allele origin: germline.

Victorian Clinical Genetics Services, Murdoch Childrens Research Institute
Classification: Uncertain significance for Intellectual developmental disorder with dysmorphic facies and ptosis. Last evaluated: 2019-08-28. Review status: criteria provided, single submitter. Criteria: ACMG Guidelines, 2015. Collection method: clinical testing. Allele origin: germline. Inheritance: Autosomal dominant inheritance. Affected: yes.
Comment: A heterozygous missense variant, NM_001003694.1(BRPF1):c.2573G>T, has been identified in exon 8 of 14 of the BRPF1 gene. The variant is predicted to result in a major amino acid change from cysteine to phenylalanine at position 858 of the protein (NP_001003694.1(BRPF1):p.(Cys858Phe)). The cysteine residue at this position has high conservation (100 vertebrates, UCSC), but is not located within a well established functional domain. In silico predictions of pathogenicity for this variant are conflicting (Polyphen, SIFT, CADD, Mutation Taster). The variant is absent in the gnomAD population database and has not been previously reported in clinical cases. Based on the information available at the time of curation, this variant has been classified as a VARIANT of UNCERTAIN SIGNIFICANCE (VUS).

NM_001003694.2(BRPF1):c.2573G>T (p.Cys858Phe)

Gene: BRPF1 (bromodomain and PHD finger containing 1; plus strand). Cytogenetic location: 3p25.3.
Variant type: single nucleotide variant.
Coding change: c.2573G>T on transcript NM_001003694.2 (MANE Select); coding-DNA position 2573, G replaced by T.
Protein change: p.Cys858Phe; replaces cysteine 858 with phenylalanine.
Molecular consequence: missense variant. On other transcripts: non-coding transcript variant (1).
Genome position (GRCh38, 1-based): chr3:9,743,839, G>T. VCF-style: chr3-9743839-G-T. GRCh37 (hg19) VCF-style: chr3-9785523-G-T.
Other names: c.2555G>T, p.Cys852Phe (NM_001319049.2, NM_004634.3); c.2552G>T, p.Cys851Phe (NM_001319050.2); c.2570G>T, p.Cys857Phe (NM_001410704.1); short protein forms C851F, C852F, C857F, C858F.
Identifiers: ClinVar variation 1806230 (VCV001806230.2), dbSNP rs764921315, ClinGen allele CA69962117.